The following is an entry in ClinVar:

NM_006231.4(POLE):c.2222A>G (p.Glu741Gly)

Gene: POLE (DNA polymerase epsilon, catalytic subunit; minus strand). Cytogenetic location: 12q24.33.
Variant type: single nucleotide variant.
Coding change: c.2222A>G on transcript NM_006231.4 (MANE Select); coding-DNA position 2222, A replaced by G.
Protein change: p.Glu741Gly; replaces glutamic acid 741 with glycine.
Molecular consequence: missense variant.
Genome position (GRCh38, 1-based): chr12:132,667,600, T>C on the plus strand (A>G on the coding strand, the complement: POLE is on the minus strand). VCF-style: chr12-132667600-T-C. GRCh37 (hg19) VCF-style: chr12-133244186-T-C.
Other names: short protein forms E741G.
Identifiers: ClinVar variation 405679 (VCV000405679.16), dbSNP rs1060500807, ClinGen allele CA16613868.

ClinVar aggregate classification (germline): Uncertain significance. Review status: criteria provided, multiple submitters, no conflicts (2 of 4 stars). 3 submissions from 3 submitters: Uncertain significance (3). Last evaluated 2025-09-01.

Conditions:
Hereditary cancer-predisposing syndrome. Also called: Hereditary Cancer Syndrome; Hereditary neoplastic syndrome; Neoplastic Syndromes, Hereditary; Tumor predisposition. Identifiers: Orphanet 140162, MedGen C0027672, MeSH D009386, MONDO:0015356.

Allele frequency attached by ClinVar (database versions not stated): gnomAD exomes below 0.00001; TOPMed below 0.00001.

Submissions (3):

Labcorp Genetics (formerly Invitae), Labcorp
Classification: Uncertain significance. Last evaluated: 2025-09-01. Review status: criteria provided, single submitter. Criteria: Invitae Variant Classification Sherloc (09022015). Collection method: clinical testing. Allele origin: germline.
Comment: This sequence change replaces glutamic acid, which is acidic and polar, with glycine, which is neutral and non-polar, at codon 741 of the POLE protein (p.Glu741Gly). This variant is not present in population databases (gnomAD no frequency). This variant has not been reported in the literature in individuals affected with POLE-related conditions. ClinVar contains an entry for this variant (Variation ID: 405679). Invitae Evidence Modeling of protein sequence and biophysical properties (such as structural, functional, and spatial information, amino acid conservation, physicochemical variation, residue mobility, and thermodynamic stability) indicates that this missense variant is not expected to disrupt POLE protein function with a negative predictive value of 80%. In summary, the available evidence is currently insufficient to determine the role of this variant in disease. Therefore, it has been classified as a Variant of Uncertain Significance.

Ambry Genetics
Classification: Uncertain significance for Hereditary cancer-predisposing syndrome. Last evaluated: 2024-12-20. Review status: criteria provided, single submitter. Criteria: Ambry Variant Classification Scheme 2023. Collection method: clinical testing. Allele origin: germline.
Comment: The p.E741G variant (also known as c.2222A>G), located in coding exon 20 of the POLE gene, results from an A to G substitution at nucleotide position 2222. The glutamic acid at codon 741 is replaced by glycine, an amino acid with similar properties. This amino acid position is not well conserved in available vertebrate species. In addition, this alteration is predicted to be tolerated by in silico analysis. Based on the available evidence, the clinical significance of this variant remains unclear.

GeneDx
Classification: Uncertain significance. Last evaluated: 2024-12-01. Review status: criteria provided, single submitter. Criteria: GeneDx Variant Classification Process June 2021. Collection method: clinical testing. Allele origin: germline. Affected: yes.
Comment: Not observed at significant frequency in large population cohorts (gnomAD); In silico analysis supports that this missense variant has a deleterious effect on protein structure/function; Has not been previously published as pathogenic or benign to our knowledge; This variant is associated with the following publications: (PMID: 29056344, 20951805)